The following is an entry in ClinVar:

NM_001042492.3(NF1):c.1721+4T>A

Gene: NF1 (neurofibromin 1; plus strand). Cytogenetic location: 17q11.2.
Variant type: single nucleotide variant.
Coding change: c.1721+4T>A on transcript NM_001042492.3 (MANE Select); 4 bases into the intron after coding-DNA position 1721, T replaced by A.
Molecular consequence: intron variant. On other transcripts: nonsense (1).
Genome position (GRCh38, 1-based): chr17:31,221,933, T>A. VCF-style: chr17-31221933-T-A. GRCh37 (hg19) VCF-style: chr17-29548951-T-A.
Other names: c.1725T>A, p.Tyr575Ter (NM_001128147.3); c.1721+4T>A (NM_000267.4); short protein forms Y575*.
Identifiers: ClinVar variation 842793 (VCV000842793.6), dbSNP rs766836356, ClinGen allele CA8485826.

ClinVar aggregate classification (germline): Uncertain significance (1 of 4 stars; one submission).

Conditions:
Neurofibromatosis, type 1 (NF1). Also called: Peripheral type neurofibromatosis; VON RECKLINGHAUSEN DISEASE; Neurofibromatosis, type I; NEUROFIBROMATOSIS, TYPE I, SOMATIC. Identifiers: Orphanet 636, MedGen C0027831, MONDO:0018975, OMIM 162200. Disease mechanism: loss of function.

Allele frequency attached by ClinVar (database versions not stated): gnomAD exomes below 0.00001; ExAC 0.00001.

Submission:

Labcorp Genetics (formerly Invitae), Labcorp
Classification: Uncertain significance for Neurofibromatosis, type 1. Last evaluated: 2022-01-19. Review status: criteria provided, single submitter. Criteria: Invitae Variant Classification Sherloc (09022015). Collection method: clinical testing. Allele origin: germline.
Comment: In summary, the available evidence is currently insufficient to determine the role of this variant in disease. Therefore, it has been classified as a Variant of Uncertain Significance. Variants that disrupt the consensus splice site are a relatively common cause of aberrant splicing (PMID: 17576681, 9536098). Algorithms developed to predict the effect of sequence changes on RNA splicing suggest that this variant may create or strengthen a splice site. ClinVar contains an entry for this variant (Variation ID: 842793). This variant has not been reported in the literature in individuals affected with NF1-related conditions. This variant is present in population databases (rs766836356, gnomAD 0.001%). This sequence change falls in intron 15 of the NF1 gene. It does not directly change the encoded amino acid sequence of the NF1 protein. It affects a nucleotide within the consensus splice site.

Literature cited by the submitters: PubMed 17576681; PubMed 9536098.